The following is an entry in ClinVar:

NM_000018.4(ACADVL):c.1133T>C (p.Leu378Pro)

Gene: ACADVL (acyl-CoA dehydrogenase very long chain; plus strand). Cytogenetic location: 17p13.1.
Variant type: single nucleotide variant.
Coding change: c.1133T>C on transcript NM_000018.4 (MANE Select); coding-DNA position 1133, T replaced by C.
Protein change: p.Leu378Pro; replaces leucine 378 with proline.
Molecular consequence: missense variant.
Genome position (GRCh38, 1-based): chr17:7,223,188, T>C. VCF-style: chr17-7223188-T-C. GRCh37 (hg19) VCF-style: chr17-7126507-T-C.
Other names: c.1067T>C, p.Leu356Pro (NM_001033859.3); c.1202T>C, p.Leu401Pro (NM_001270447.2); c.905T>C, p.Leu302Pro (NM_001270448.2); short protein forms L378P, L401P, L302P, L356P.
Identifiers: ClinVar variation 1044110 (VCV001044110.9), dbSNP rs2071314177, ClinGen allele CA397724428.

ClinVar aggregate classification (germline): Uncertain significance. Review status: criteria provided, multiple submitters, no conflicts (2 of 4 stars). 2 submissions from 2 submitters: Uncertain significance (2). Last evaluated 2022-08-20.

Conditions:
Very long chain acyl-CoA dehydrogenase deficiency (ACADVLD). Also called: VLCAD Deficiency; Very Long-Chain Acyl-Coenzyme A Dehydrogenase Deficiency. Identifiers: Orphanet 26793, MedGen C3887523, MONDO:0008723, OMIM 201475.

Allele frequency attached by ClinVar (database versions not stated): gnomAD 0.00001.
gnomAD v4.1: 1 of 1,614,048 alleles (0.000062%); highest among the groups gnomAD compares: African/African-American, 0.0013%; no homozygotes.

Submissions (2):

Labcorp Genetics (formerly Invitae), Labcorp
Classification: Uncertain significance for Very long chain acyl-CoA dehydrogenase deficiency. Last evaluated: 2022-08-20. Review status: criteria provided, single submitter. Criteria: Invitae Variant Classification Sherloc (09022015). Collection method: clinical testing. Allele origin: germline.
Comment: In summary, the available evidence is currently insufficient to determine the role of this variant in disease. Therefore, it has been classified as a Variant of Uncertain Significance. Algorithms developed to predict the effect of missense changes on protein structure and function (SIFT, PolyPhen-2, Align-GVGD) all suggest that this variant is likely to be tolerated. ClinVar contains an entry for this variant (Variation ID: 1044110). This missense change has been observed in individual(s) with VLCAD deficiency (PMID: 30194637). This variant is not present in population databases (gnomAD no frequency). This sequence change replaces leucine, which is neutral and non-polar, with proline, which is neutral and non-polar, at codon 378 of the ACADVL protein (p.Leu378Pro).

GeneDx
Classification: Uncertain significance. Last evaluated: 2020-07-27. Review status: criteria provided, single submitter. Criteria: GeneDx Variant Classification Process June 2021. Collection method: clinical testing. Allele origin: germline. Affected: yes.
Comment: Reported in a patient with suspected very-long-chain acyl-CoA dehydrogenase (VLCAD) deficiency who had 38% residual enzyme activity in lymphoblasts; a second ACADVL variant was not identified in the patient (Hesse et al., 2018); Not observed in large population cohorts (Lek et al., 2016); In silico analysis supports that this missense variant does not alter protein structure/function; This variant is associated with the following publications: (PMID: 30194637)

Literature cited by the submitters: PubMed 30194637 (cited by Labcorp Genetics (formerly Invitae), Labcorp).